The following is an entry in ClinVar:

ClinVar aggregate classification (germline): Uncertain significance (1 of 4 stars; one submission).

Submission:

GeneDx
Classification: Uncertain significance. Last evaluated: 2023-10-19. Review status: criteria provided, single submitter. Criteria: GeneDx Variant Classification Process June 2021. Collection method: clinical testing. Allele origin: germline. Affected: yes.
Comment: Not observed at significant frequency in large population cohorts (gnomAD); In silico analysis supports that this missense variant has a deleterious effect on protein structure/function; Has not been previously published as pathogenic or benign to our knowledge.

NM_005257.6(GATA6):c.1013C>G (p.Ser338Trp)

Gene: GATA6 (GATA binding protein 6; plus strand). Cytogenetic location: 18q11.2.
Variant type: single nucleotide variant.
Coding change: c.1013C>G on transcript NM_005257.6 (MANE Select); coding-DNA position 1013, C replaced by G.
Protein change: p.Ser338Trp; replaces serine 338 with tryptophan.
Molecular consequence: missense variant.
Genome position (GRCh38, 1-based): chr18:22,172,157, C>G. VCF-style: chr18-22172157-C-G. GRCh37 (hg19) VCF-style: chr18-19752118-C-G.
Other names: short protein forms S338W.
Identifiers: ClinVar variation 3366035 (VCV003366035.1).